The following is an entry in ClinVar:

ClinVar aggregate classification (germline): Conflicting classifications of pathogenicity. Review status: criteria provided, conflicting classifications (1 of 4 stars). 3 submissions from 3 submitters: Likely pathogenic (1); Uncertain significance (2). Last evaluated 2025-05-23.

Conditions:
Telangiectasia, hereditary hemorrhagic, type 1 (HHT1). Also called: Osler Weber Rendu syndrome type 1; ENG-Related Hereditary Hemorrhagic Telangiectasia. Identifiers: Orphanet 774, MedGen C4551861, MONDO:0008535, OMIM 187300. Disease mechanism: loss of function.
Hereditary hemorrhagic telangiectasia (HHT). Also called: ORW DISEASE; Osler Weber Rendu syndrome; OSLER-RENDU-WEBER DISEASE; Osler hemorrhagic telangiectasia syndrome. Identifiers: Orphanet 774, MedGen C0039445, MONDO:0019180. Disease mechanism: loss of function.

Submissions (3):

ARUP Laboratories, Molecular Genetics and Genomics, ARUP Laboratories
Classification: Likely pathogenic for Telangiectasia, hereditary hemorrhagic, type 1. Last evaluated: 2025-05-23. Review status: criteria provided, single submitter. Criteria: ARUP Molecular Germline Variant Investigation Process 2024. Collection method: clinical testing. Allele origin: germline.
Comment: The ENG c.200T>C; p.Leu67Pro variant (rs2131918396), to our knowledge, is not reported in the medical literature but is reported in ClinVar (Variation ID: 1518137). This variant has been observed in a family with symptoms consistent with HHT (ARUP internal data). This variant is also absent from the Genome Aggregation Database (v2.1.1), indicating it is not a common polymorphism. Computational analyses are uncertain whether this variant is neutral or deleterious (REVEL: 0.596). Based on available information, this variant is considered to be likely pathogenic.

Impact Genetics, Dynacare/LabCorp
Classification: Uncertain significance for Telangiectasia, hereditary hemorrhagic, type 1. Last evaluated: 2024-07-10. Review status: criteria provided, single submitter. Criteria: DeMille et al. (Hum Mutat. 2024). Collection method: clinical testing. Allele origin: germline.
Comment: PM2_supporting

Labcorp Genetics (formerly Invitae), Labcorp
Classification: Uncertain significance for Hereditary hemorrhagic telangiectasia. Last evaluated: 2024-03-07. Review status: criteria provided, single submitter. Criteria: Invitae Variant Classification Sherloc (09022015). Collection method: clinical testing. Allele origin: germline.
Comment: This sequence change replaces leucine, which is neutral and non-polar, with proline, which is neutral and non-polar, at codon 67 of the ENG protein (p.Leu67Pro). This variant is not present in population databases (gnomAD no frequency). This variant has not been reported in the literature in individuals affected with ENG-related conditions. ClinVar contains an entry for this variant (Variation ID: 1518137). Advanced modeling of protein sequence and biophysical properties (such as structural, functional, and spatial information, amino acid conservation, physicochemical variation, residue mobility, and thermodynamic stability) performed at Invitae indicates that this missense variant is expected to disrupt ENG protein function with a positive predictive value of 95%. In summary, the available evidence is currently insufficient to determine the role of this variant in disease. Therefore, it has been classified as a Variant of Uncertain Significance.

NM_001114753.3(ENG):c.200T>C (p.Leu67Pro)

Gene: ENG (endoglin; minus strand). Cytogenetic location: 9q34.11.
Variant type: single nucleotide variant.
Coding change: c.200T>C on transcript NM_001114753.3 (MANE Select); coding-DNA position 200, T replaced by C.
Protein change: p.Leu67Pro; replaces leucine 67 with proline.
Molecular consequence: missense variant. On other transcripts: 5 prime UTR variant (1).
Genome position (GRCh38, 1-based): chr9:127,843,113, A>G on the plus strand (T>C on the coding strand, the complement: ENG is on the minus strand). VCF-style: chr9-127843113-A-G. GRCh37 (hg19) VCF-style: chr9-130605392-A-G.
Other names: c.200T>C, p.Leu67Pro (NM_000118.4, NM_001406715.1); c.-347T>C (NM_001278138.2); short protein forms L67P.
Identifiers: ClinVar variation 1518137 (VCV001518137.9), dbSNP rs2131918396, ClinGen allele CA374988938.